The following is an entry in ClinVar:

NM_206933.4(USH2A):c.8224-1G>A

Gene: USH2A (usherin; minus strand). Cytogenetic location: 1q41.
Variant type: single nucleotide variant.
Coding change: c.8224-1G>A on transcript NM_206933.4 (MANE Select); the canonical splice acceptor site of the intron before coding-DNA position 8224, G replaced by A.
Molecular consequence: splice acceptor variant.
Genome position (GRCh38, 1-based): chr1:215,879,099, C>T on the plus strand (G>A on the coding strand, the complement: USH2A is on the minus strand). VCF-style: chr1-215879099-C-T. GRCh37 (hg19) VCF-style: chr1-216052441-C-T.
Identifiers: ClinVar variation 1941990 (VCV001941990.5), dbSNP rs1664846558, ClinGen allele CA344832836.

ClinVar aggregate classification (germline): Pathogenic (1 of 4 stars; one submission).

Submission:

Labcorp Genetics (formerly Invitae), Labcorp
Classification: Pathogenic. Last evaluated: 2022-05-19. Review status: criteria provided, single submitter. Criteria: Invitae Variant Classification Sherloc (09022015). Collection method: clinical testing. Allele origin: germline.
Comment: For these reasons, this variant has been classified as Pathogenic. Algorithms developed to predict the effect of sequence changes on RNA splicing suggest that this variant may disrupt the consensus splice site. Disruption of this splice site has been observed in individual(s) with retinitis pigmentosa and/or Usher syndrome (PMID: 32188678, 34625933). In at least one individual the data is consistent with being in trans (on the opposite chromosome) from a pathogenic variant. This variant is not present in population databases (gnomAD no frequency). This sequence change affects an acceptor splice site in intron 41 of the USH2A gene. It is expected to disrupt RNA splicing. Variants that disrupt the donor or acceptor splice site typically lead to a loss of protein function (PMID: 16199547), and loss-of-function variants in USH2A are known to be pathogenic (PMID: 10729113, 10909849, 20507924, 25649381).

Literature cited by the submitters: PubMed 32188678; PubMed 34625933; PubMed 16199547; PubMed 10729113; PubMed 10909849; PubMed 20507924; PubMed 25649381.